The following is an entry in ClinVar:

NM_003128.3(SPTBN1):c.6551G>A (p.Ser2184Asn)

Genes: SPTBN1 (spectrin beta, non-erythrocytic 1; plus strand), SPTBN1-AS2 (SPTBN1 antisense RNA 2; minus strand). Cytogenetic location: 2p16.2.
Variant type: single nucleotide variant.
Coding change: c.6551G>A on transcript NM_003128.3 (MANE Select); coding-DNA position 6551, G replaced by A.
Protein change: p.Ser2184Asn; replaces serine 2184 with asparagine.
Molecular consequence: missense variant.
Genome position (GRCh38, 1-based): chr2:54,664,583, G>A. VCF-style: chr2-54664583-G-A. GRCh37 (hg19) VCF-style: chr2-54891720-G-A.
Other names: short protein forms S2184N.
Identifiers: ClinVar variation 3357641 (VCV003357641.1).

ClinVar aggregate classification (germline): Uncertain significance (0 of 4 stars; one submission).

Conditions:
SPTBN1-related disorder. Also called: SPTBN1-related condition.

gnomAD v4.1: 2 of 1,614,168 alleles (0.00012%); highest among the groups gnomAD compares: Non-Finnish European, 0.00017%; no homozygotes.

Submission:

PreventionGenetics, part of Exact Sciences
Classification: Uncertain significance for SPTBN1-related condition. Last evaluated: 2024-07-16. Review status: no assertion criteria provided. Collection method: clinical testing. Allele origin: germline.
Comment: The SPTBN1 c.6551G>A variant is predicted to result in the amino acid substitution p.Ser2184Asn. To our knowledge, this variant has not been reported in the literature or in a large population database, indicating it is rare. At this time, the clinical significance of this variant is uncertain due to the absence of conclusive functional and genetic evidence.